The following is an entry in ClinVar:

ClinVar aggregate classification (germline): Uncertain significance (1 of 4 stars; one submission).

Conditions:
Inborn genetic diseases. Identifiers: MedGen C0950123, MeSH D030342.

Submission:

Ambry Genetics
Classification: Uncertain significance for Inborn genetic diseases. Last evaluated: 2025-01-10. Review status: criteria provided, single submitter. Criteria: Ambry Variant Classification Scheme 2023. Collection method: clinical testing. Allele origin: germline.
Comment: The p.E1903A variant (also known as c.5708A>C), located in coding exon 21 of the FANCM gene, results from an A to C substitution at nucleotide position 5708. The glutamic acid at codon 1903 is replaced by alanine, an amino acid with dissimilar properties. This amino acid position is conserved. In addition, this alteration is predicted to be tolerated by in silico analysis. Based on the available evidence, the clinical significance of this variant remains unclear.

NM_020937.4(FANCM):c.5708A>C (p.Glu1903Ala)

Gene: FANCM (FA complementation group M; plus strand). Cytogenetic location: 14q21.2.
Variant type: single nucleotide variant.
Coding change: c.5708A>C on transcript NM_020937.4 (MANE Select); coding-DNA position 5708, A replaced by C.
Protein change: p.Glu1903Ala; replaces glutamic acid 1903 with alanine.
Molecular consequence: missense variant.
Genome position (GRCh38, 1-based): chr14:45,196,539, A>C. VCF-style: chr14-45196539-A-C. GRCh37 (hg19) VCF-style: chr14-45665742-A-C.
Other names: c.5630A>C, p.Glu1877Ala (NM_001308133.2); short protein forms E1903A, E1877A.
Identifiers: ClinVar variation 3848604 (VCV003848604.1).
Genomic context (GRCh38, chr14:45,196,539, plus strand): 5'-AGATCCAGCACCTGCAGAGTATGTTTGAAAGAATATGTGTGATTGTGGAAAAGGACAGAG[A>C]AAAAACAGGTTTGTATTTTTAAATATCTTTGTTTATAAGACTGTAAAGGAACTTTACGGT-3'
Protein context (NP_065988.1, residues 1893-1913): RICVIVEKDR[Glu1903Ala]KTGDTSRMFR